The following is an entry in ClinVar:

NM_000059.4(BRCA2):c.632-1133C>T

Gene: BRCA2 (BRCA2 DNA repair associated; plus strand). Cytogenetic location: 13q13.1.
Variant type: single nucleotide variant.
Coding change: c.632-1133C>T on transcript NM_000059.4 (MANE Select); 1133 bases into the intron before coding-DNA position 632, C replaced by T.
Molecular consequence: intron variant.
Genome position (GRCh38, 1-based): chr13:32,328,310, C>T. VCF-style: chr13-32328310-C-T. GRCh37 (hg19) VCF-style: chr13-32902447-C-T.
Other names: IVS 7-1133C>T.
Identifiers: ClinVar variation 209660 (VCV000209660.1), dbSNP rs183901354, ClinGen allele CA276629.
Genomic context (GRCh38, chr13:32,328,310, plus strand): 5'-TTTTTTTTTTGAGGCGGAGTCTTGCCCTTTTGCCCAGGCTGGAGTACAGTGGCACCATCT[C>T]GGCTCACAGCAACCTCTGCCTTCTGGGTTCAGGCGATTCTCCTGCCTTAGACTCCCGAGT-3'

ClinVar aggregate classification (germline): Benign (3 of 4 stars; one submission).

Conditions:
Breast-ovarian cancer, familial, susceptibility to, 2 (BROVCA2). Also called: BRCA2 Hereditary Breast and Ovarian Cancer. Identifiers: Orphanet 145, MedGen C2675520, MONDO:0012933, OMIM 612555. Disease mechanism: loss of function.

Allele frequency attached by ClinVar (database versions not stated): TOPMed 0.00108; 1000 Genomes Project 30x 0.00187; 1000 Genomes Project 0.00220; gnomAD 0.00618 and 0.00652.
gnomAD v4.1: 918 of 151,168 alleles (0.61%); highest among the groups gnomAD compares: Non-Finnish European, 0.32%; 24 homozygotes.

Submission:

Evidence-based Network for the Interpretation of Germline Mutant Alleles (ENIGMA)
Classification: Benign for Breast-ovarian cancer, familial 2. Last evaluated: 2015-01-12. Review status: reviewed by expert panel. Criteria: ENIGMA BRCA1/2 Classification Criteria (2015). Collection method: curation. Allele origin: germline.
Comment: Class 1 not pathogenic based on frequency >1% in an outbred sampleset. Frequency 0.01583 (European), derived from 1000 genomes (2012-04-30).